The following is an entry in ClinVar:

ClinVar aggregate classification (germline): Pathogenic. Review status: criteria provided, multiple submitters, no conflicts (2 of 4 stars). 13 submissions from 13 submitters: Pathogenic (10). 3 of the submissions do not count toward it. Last evaluated 2026-05-11.

Conditions:
ABCA4-related disorder. Also called: ABCA4-related disorders; ABCA4-related condition. Identifiers: MedGen CN239167.
Retinal dystrophy. Also called: Inherited retinal dystrophy. Identifiers: Orphanet 71862, MedGen C0854723, MeSH D058499, MONDO:0019118, HP:0000556.
Stargardt disease 3. Also called: MACULAR DYSTROPHY WITH FLECKS, TYPE 3; STARGARDT-LIKE MACULAR DYSTROPHY, AUTOSOMAL DOMINANT. Identifiers: Orphanet 827, MedGen C1838644, MONDO:0010819, OMIM 600110.
Severe early-childhood-onset retinal dystrophy (STGD1). Also called: MACULAR DYSTROPHY WITH FLECKS, TYPE 1; Stargardt macular dystrophy; Juvenile onset macular degeneration; Stargardt disease 1; STGD. Identifiers: Orphanet 364055, Orphanet 827, MedGen C1855465, MeSH D000080362, MONDO:0009549, OMIM 248200.

Allele frequency attached by ClinVar (database versions not stated): gnomAD 0.00005 and 0.00006; ESP Exome Variant Server 0.00015; 1000 Genomes Project 0.00040; 1000 Genomes Project 30x 0.00062.
gnomAD v4.1: 22 of 1,606,580 alleles (0.0014%); highest among the groups gnomAD compares: Admixed American, 0.014%; no homozygotes.

Submissions (13):

PreventionGenetics, part of Exact Sciences
Classification: Pathogenic for ABCA4-related condition. Last evaluated: 2026-05-11. Review status: criteria provided, single submitter. Criteria: ACMG Guidelines, 2015. Collection method: clinical testing. Allele origin: germline.
Comment: The ABCA4 c.52C>T variant is predicted to result in the amino acid substitution p.Arg18Trp. This variant has been reported in many individuals with ABCA4-related retinal disease (see for examples: Gerber et al. 1998. PubMed ID: 9503029; Riveiro-Alvarez et al. 2013. PubMed ID: 23755871; Table S1, Lin et al. 2024. PubMed ID: 38219857). This variant is present in 0.0029% of alleles in individuals of Latino descent in gnomAD. This variant is interpreted as pathogenic.

Labcorp Genetics (formerly Invitae), Labcorp
Classification: Pathogenic. Last evaluated: 2026-02-01. Review status: criteria provided, single submitter. Criteria: Invitae Variant Classification Sherloc (09022015). Collection method: clinical testing. Allele origin: germline.
Comment: This sequence change replaces arginine, which is basic and polar, with tryptophan, which is neutral and slightly polar, at codon 18 of the ABCA4 protein (p.Arg18Trp). This variant is present in population databases (rs121909205, gnomAD 0.003%). This missense change has been observed in individuals with Stargardt disease and retinal disease (PMID: 23096905, 23755871, 29854428, 29925512). It has also been observed to segregate with disease in related individuals. ClinVar contains an entry for this variant (Variation ID: 7899). Invitae Evidence Modeling of protein sequence and biophysical properties (such as structural, functional, and spatial information, amino acid conservation, physicochemical variation, residue mobility, and thermodynamic stability) indicates that this missense variant is expected to disrupt ABCA4 protein function with a positive predictive value of 95%. For these reasons, this variant has been classified as Pathogenic.

GeneDx
Classification: Pathogenic. Last evaluated: 2025-03-05. Review status: criteria provided, single submitter. Criteria: GeneDx Variant Classification Process June 2021. Collection method: clinical testing. Allele origin: germline. Affected: yes.
Comment: Not observed at significant frequency in large population cohorts (gnomAD); In silico analysis supports that this missense variant has a deleterious effect on protein structure/function; This variant is associated with the following publications: (PMID: 9503029, 28044389, 10090887, 23755871, 28118664, 27014590, 31589614, 30204727, 29925512, 29555955, 37734845, 35120629, 35119454, 35260635, 36460718, 34906470, 38219857, 38309476, 39162841, 38369462)

Revvity Omics, Revvity
Classification: Pathogenic. Last evaluated: 2024-10-31. Review status: criteria provided, single submitter. Criteria: ACMG Guidelines, 2015. Collection method: clinical testing. Allele origin: germline.

Blueprint Genetics
Classification: Pathogenic for ABCA4-related disorders. Last evaluated: 2023-06-05. Review status: criteria provided, single submitter. Criteria: ACMG Guidelines, 2015. Collection method: clinical testing. Allele origin: germline. Affected: yes. Observed: 5 variant alleles.

CeGaT Center for Human Genetics Tuebingen
Classification: Pathogenic. Last evaluated: 2021-06-01. Review status: criteria provided, single submitter. Criteria: CeGaT Center For Human Genetics Tuebingen Variant Classification Criteria Version 2. Collection method: clinical testing. Allele origin: germline. Affected: yes. Observed: 1 variant allele.

Ocular Genomics Institute, Massachusetts Eye and Ear
Classification: Pathogenic for Severe early-childhood-onset retinal dystrophy. Last evaluated: 2021-04-08. Review status: criteria provided, single submitter. Criteria: ACMG Guidelines, 2015. Collection method: research. Allele origin: germline. Affected: yes.
Comment: Through a review of available evidence we were able to apply the following criteria: PM2, PP3, PM1, PP1, PM3-S. Based on this evidence we have classified this variant as Pathogenic.

Institute of Medical Genetics and Applied Genomics, University Hospital Tübingen
Classification: Pathogenic. Last evaluated: 2020-10-23. Review status: criteria provided, single submitter. Criteria: ACMG Guidelines, 2015. Collection method: clinical testing. Allele origin: germline. Inheritance: Autosomal recessive inheritance. Affected: yes.

Institute of Human Genetics, Univ. Regensburg, Univ. Regensburg
Classification: Pathogenic for Retinal dystrophy. Last evaluated: 2017-01-01. Review status: criteria provided, single submitter. Criteria: ACMG Guidelines, 2015. Collection method: clinical testing. Allele origin: germline. Affected: yes.

Eurofins Ntd Llc (ga)
Classification: Pathogenic. Last evaluated: 2016-09-28. Review status: criteria provided, single submitter. Criteria: EGL Classification Definitions 2015. Collection method: clinical testing. Allele origin: germline. Observed: 2 variant alleles, 2 heterozygotes.

OMIM
Classification: Pathogenic for STARGARDT DISEASE 1. Last evaluated: 1998-02-15. Review status: no assertion criteria provided. Collection method: literature only. Allele origin: germline. Not counted in ClinVar's aggregate classification.

Ophthalmo-Genetics Lab, Instituto de Oftalmologia Conde de Valenciana
Classification: Pathogenic for Stargardt disease 3. Review status: no assertion criteria provided. Collection method: research. Allele origin: germline. Inheritance: Autosomal recessive inheritance. Affected: yes. Observed: 1 compound heterozygote. Not counted in ClinVar's aggregate classification.

Retina International
No classification provided. Review status: no classification provided. Collection method: not provided. Allele origin: unknown. Not counted in ClinVar's aggregate classification.

Literature cited by the submitters: PubMed 23096905 (cited by Labcorp Genetics (formerly Invitae), Labcorp and Ocular Genomics Institute, Massachusetts Eye and Ear); PubMed 23755871 (cited by 3 submitters); PubMed 29854428 (cited by Labcorp Genetics (formerly Invitae), Labcorp and Ocular Genomics Institute, Massachusetts Eye and Ear); PubMed 29925512 (cited by 3 submitters); PubMed 28118664 (cited by Ocular Genomics Institute, Massachusetts Eye and Ear and Institute of Human Genetics, Univ. Regensburg, Univ. Regensburg); PubMed 9503029 (cited by 3 submitters); PubMed 29555955 (cited by Institute of Human Genetics, Univ. Regensburg, Univ. Regensburg); PubMed 30204727 (cited by Institute of Human Genetics, Univ. Regensburg, Univ. Regensburg); PubMed 31589614 (cited by Institute of Human Genetics, Univ. Regensburg, Univ. Regensburg); PubMed 35119454 (cited by Institute of Human Genetics, Univ. Regensburg, Univ. Regensburg); PubMed 35260635 (cited by Institute of Human Genetics, Univ. Regensburg, Univ. Regensburg); PubMed 36460718 (cited by Institute of Human Genetics, Univ. Regensburg, Univ. Regensburg); PubMed 38369462 (cited by Ophthalmo-Genetics Lab, Instituto de Oftalmologia Conde de Valenciana).

NM_000350.3(ABCA4):c.52C>T (p.Arg18Trp)

Gene: ABCA4 (ATP binding cassette subfamily A member 4; minus strand). Cytogenetic location: 1p22.1.
Variant type: single nucleotide variant.
Coding change: c.52C>T on transcript NM_000350.3 (MANE Select); coding-DNA position 52, C replaced by T.
Protein change: p.Arg18Trp; replaces arginine 18 with tryptophan.
Molecular consequence: missense variant.
Genome position (GRCh38, 1-based): chr1:94,120,994, G>A on the plus strand (C>T on the coding strand, the complement: ABCA4 is on the minus strand). VCF-style: chr1-94120994-G-A. GRCh37 (hg19) VCF-style: chr1-94586550-G-A.
Other names: c.52C>T, p.Arg18Trp (NM_001425324.1); short protein forms R18W.
Identifiers: ClinVar variation 7899 (VCV000007899.59), dbSNP rs121909205, ClinGen allele CA227296.